The following is an entry in ClinVar:

NM_206933.4(USH2A):c.4073G>A (p.Gly1358Glu)

Genes: USH2A (usherin; minus strand), USH2A-AS1 (USH2A antisense RNA 1; plus strand). Cytogenetic location: 1q41.
Variant type: single nucleotide variant.
Coding change: c.4073G>A on transcript NM_206933.4 (MANE Select); coding-DNA position 4073, G replaced by A.
Protein change: p.Gly1358Glu; replaces glycine 1358 with glutamic acid.
Molecular consequence: missense variant.
Genome position (GRCh38, 1-based): chr1:216,198,323, C>T on the plus strand (G>A on the coding strand, the complement: USH2A is on the minus strand). VCF-style: chr1-216198323-C-T. GRCh37 (hg19) VCF-style: chr1-216371665-C-T.
Other names: c.4073G>A, p.Gly1358Glu (NM_007123.6); short protein forms G1358E.
Identifiers: ClinVar variation 1979826 (VCV001979826.3), dbSNP rs2528041093, ClinGen allele CA344866866.

ClinVar aggregate classification (germline): Uncertain significance (1 of 4 stars; one submission).

Submission:

Labcorp Genetics (formerly Invitae), Labcorp
Classification: Uncertain significance. Last evaluated: 2022-10-24. Review status: criteria provided, single submitter. Criteria: Invitae Variant Classification Sherloc (09022015). Collection method: clinical testing. Allele origin: germline.
Comment: In summary, the available evidence is currently insufficient to determine the role of this variant in disease. Therefore, it has been classified as a Variant of Uncertain Significance. Advanced modeling of protein sequence and biophysical properties (such as structural, functional, and spatial information, amino acid conservation, physicochemical variation, residue mobility, and thermodynamic stability) performed at Invitae indicates that this missense variant is not expected to disrupt USH2A protein function. This variant is not present in population databases (gnomAD no frequency). This variant has not been reported in the literature in individuals affected with USH2A-related conditions. This sequence change replaces glycine, which is neutral and non-polar, with glutamic acid, which is acidic and polar, at codon 1358 of the USH2A protein (p.Gly1358Glu).